The following is an entry in ClinVar:

NM_001009999.3(KDM1A):c.795T>A (p.Asp265Glu)

Gene: KDM1A (lysine demethylase 1A; plus strand). Cytogenetic location: 1p36.12.
Variant type: single nucleotide variant.
Coding change: c.795T>A on transcript NM_001009999.3 (MANE Select); coding-DNA position 795, T replaced by A.
Protein change: p.Asp265Glu; replaces aspartic acid 265 with glutamic acid.
Molecular consequence: missense variant.
Genome position (GRCh38, 1-based): chr1:23,055,073, T>A. VCF-style: chr1-23055073-T-A. GRCh37 (hg19) VCF-style: chr1-23381566-T-A.
Other names: c.735T>A, p.Asp245Glu (NM_001363654.2, NM_001410763.1, NM_015013.4); c.795T>A, p.Asp265Glu (NM_001410762.1); short protein forms D245E, D265E.
Identifiers: ClinVar variation 4622745 (VCV004622745.1).

ClinVar aggregate classification (germline): Uncertain significance (1 of 4 stars; one submission).

Conditions:
Inborn genetic diseases. Identifiers: MedGen C0950123, MeSH D030342.

gnomAD v4.1: 1 of 1,599,906 alleles (0.000063%); highest among the groups gnomAD compares: South Asian, 0.0011%; no homozygotes.

Submission:

Ambry Genetics
Classification: Uncertain significance for Inborn genetic diseases. Last evaluated: 2025-12-13. Review status: criteria provided, single submitter. Criteria: Ambry Variant Classification Scheme 2023. Collection method: clinical testing. Allele origin: germline.
Comment: The p.D265E variant (also known as c.795T>A), located in coding exon 6 of the KDM1A gene, results from a T to A substitution at nucleotide position 795. The aspartic acid at codon 265 is replaced by glutamic acid, an amino acid with highly similar properties. This amino acid position is conserved. In addition, this alteration is predicted to be tolerated by in silico analysis. Based on the available evidence, the clinical significance of this variant remains unclear.